The following is an entry in ClinVar:

NM_005557.4(KRT16):c.163C>T (p.Arg55Cys)

Gene: KRT16 (keratin 16; minus strand). Cytogenetic location: 17q21.2.
Variant type: single nucleotide variant.
Coding change: c.163C>T on transcript NM_005557.4 (MANE Select); coding-DNA position 163, C replaced by T.
Protein change: p.Arg55Cys; replaces arginine 55 with cysteine.
Molecular consequence: missense variant.
Genome position (GRCh38, 1-based): chr17:41,612,526, G>A on the plus strand (C>T on the coding strand, the complement: KRT16 is on the minus strand). VCF-style: chr17-41612526-G-A. GRCh37 (hg19) VCF-style: chr17-39768778-G-A.
Other names: short protein forms R55C.
Identifiers: ClinVar variation 4821908 (VCV004821908.4).

ClinVar aggregate classification (germline): Likely benign (1 of 4 stars; one submission).

Submission:

CeGaT Center for Human Genetics Tuebingen
Classification: Likely benign. Last evaluated: 2026-01-01. Review status: criteria provided, single submitter. Criteria: CeGaT Center For Human Genetics Tuebingen Variant Classification Criteria Version 2. Collection method: clinical testing. Allele origin: germline. Affected: yes. Observed: 1 variant allele.
Comment: KRT16: BS2